The following is an entry in ClinVar:

NM_001099922.3(ALG13):c.3008A>G (p.Tyr1003Cys)

Gene: ALG13 (ALG13 UDP-N-acetylglucosaminyltransferase subunit; plus strand). Cytogenetic location: Xq23.
Variant type: single nucleotide variant.
Coding change: c.3008A>G on transcript NM_001099922.3 (MANE Select); coding-DNA position 3008, A replaced by G.
Protein change: p.Tyr1003Cys; replaces tyrosine 1003 with cysteine.
Molecular consequence: missense variant. On other transcripts: non-coding transcript variant (1).
Genome position (GRCh38, 1-based): chrX:111,757,622, A>G. VCF-style: chrX-111757622-A-G. GRCh37 (hg19) VCF-style: chrX-111000850-A-G.
Other names: c.2459A>G, p.Tyr820Cys (NM_001257230.2, NM_001257234.2, NM_001257237.2); c.2774A>G, p.Tyr925Cys (NM_001257231.2); c.2771A>G, p.Tyr924Cys (NM_001324292.2); c.2285A>G, p.Tyr762Cys (NM_001324293.1); short protein forms Y1003C, Y820C, Y925C, Y762C, Y924C.
Identifiers: ClinVar variation 390901 (VCV000390901.59), dbSNP rs201055779, ClinGen allele CA10494029.
Genomic context (GRCh38, chrX:111,757,622, plus strand): 5'-TTTTTTGTTGCCCTTTCTTGCTCAAGTGCTATTACCACAGCTACTGGCACTCCATGGTCT[A>G]TGTGCCACAGATGCAGCAGCAGCTTCATGTAGAGAATTATCCAGTCTATACTGAGCCACC-3'
Protein context (NP_001093392.1, residues 993-1013): YYHSYWHSMV[Tyr1003Cys]VPQMQQQLHV

ClinVar aggregate classification (germline): Benign/Likely benign. Review status: criteria provided, multiple submitters, no conflicts (2 of 4 stars). 8 submissions from 8 submitters: Benign (2); Likely benign (5). 1 of the submissions does not count toward it. Last evaluated 2026-06-15.

Conditions:
Developmental and epileptic encephalopathy, 36 (DEE36). Also called: Epileptic encephalopathy, early infantile, 36; Congenital disorder of glycosylation, type Is; ALG13-CDG. Identifiers: Orphanet 324422, MedGen C4317295, MONDO:0010472, OMIM 300884.
Inborn genetic diseases. Identifiers: MedGen C0950123, MeSH D030342.
ALG13-related disorder. Also called: ALG13-related condition.

Allele frequency attached by ClinVar (database versions not stated): gnomAD exomes 0.00004 and 0.00015; ExAC 0.00020; gnomAD 0.00021 and 0.00024; ESP Exome Variant Server 0.00025; TOPMed 0.00025.
gnomAD v4.1: 98 of 1,204,885 alleles (0.0081%); highest among the groups gnomAD compares: East Asian, 0.057%; no homozygotes.

Submissions (8):

Women's Health and Genetics/Laboratory Corporation of America, LabCorp
Classification: Likely benign. Last evaluated: 2026-06-15. Review status: criteria provided, single submitter. Criteria: LabCorp Variant Classification Summary - May 2015. Collection method: clinical testing. Allele origin: germline.
Comment: Variant summary: ALG13 c.3008A>G (p.Tyr1003Cys) results in a non-conservative amino acid change in the encoded protein sequence. Algorithms developed to predict the effect of missense changes on protein structure and function are either unavailable or do not agree on the potential impact of this missense change. The variant allele was found at a frequency of 0.00015 in 175055 control chromosomes. A total of 31 hemizygotes and 67 heterozygotes of this variant were observed in the gnomAD v4 database. To our knowledge, no occurrence of c.3008A>G in individuals affected with ALG13-related conditions and no experimental evidence demonstrating its impact on protein function have been reported. ClinVar contains an entry for this variant (Variation ID: 390901). Based on the evidence outlined above, the variant was classified as likely benign.

Labcorp Genetics (formerly Invitae), Labcorp
Classification: Benign for Developmental and epileptic encephalopathy, 36. Last evaluated: 2025-12-28. Review status: criteria provided, single submitter. Criteria: Invitae Variant Classification Sherloc (09022015). Collection method: clinical testing. Allele origin: germline.

Blueprint Genetics
Classification: Likely benign. Last evaluated: 2024-05-21. Review status: criteria provided, single submitter. Criteria: ACMG Guidelines, 2015. Collection method: clinical testing. Allele origin: germline.

Genome-Nilou Lab
Classification: Benign for Developmental and epileptic encephalopathy, 36. Last evaluated: 2021-12-05. Review status: criteria provided, single submitter. Criteria: ACMG Guidelines, 2015. Collection method: clinical testing. Allele origin: germline. Affected: no.

GeneDx
Classification: Likely benign. Last evaluated: 2019-06-20. Review status: criteria provided, single submitter. Criteria: GeneDx Variant Classification Process June 2021. Collection method: clinical testing. Allele origin: germline. Affected: yes.
Comment: In-silico analysis, which includes splice predictors and evolutionary conservation, is inconclusive as to whether the variant alters gene splicing. In the absence of RNA/functional studies, the actual effect of this sequence change is unknown.

CeGaT Center for Human Genetics Tuebingen
Classification: Likely benign. Last evaluated: 2019-02-01. Review status: criteria provided, single submitter. Criteria: CeGaT Center For Human Genetics Tuebingen Variant Classification Criteria Version 2. Collection method: clinical testing. Allele origin: germline. Affected: yes. Observed: 1 variant allele.

Ambry Genetics
Classification: Likely benign for Inborn genetic diseases. Last evaluated: 2018-02-06. Review status: criteria provided, single submitter. Criteria: Ambry Variant Classification Scheme 2023. Collection method: clinical testing. Allele origin: germline.

PreventionGenetics, part of Exact Sciences
Classification: Likely benign for ALG13-related condition. Last evaluated: 2019-12-13. Review status: no assertion criteria provided. Collection method: clinical testing. Allele origin: germline. Not counted in ClinVar's aggregate classification.
Comment: This variant is classified as likely benign based on ACMG/AMP sequence variant interpretation guidelines (Richards et al. 2015 PMID: 25741868, with internal and published modifications).